The following is an entry in ClinVar:

NM_000180.4(GUCY2D):c.91dup (p.Arg31fs)

Gene: GUCY2D (guanylate cyclase 2D, retinal; plus strand). Cytogenetic location: 17p13.1.
Variant type: Duplication.
Coding change: c.91dup on transcript NM_000180.4 (MANE Select); coding-DNA position 91, one base duplicated (C; older notation c.91dupC).
Protein change: p.Arg31fs; shifts the reading frame from arginine 31.
Molecular consequence: frameshift variant.
Genome position (GRCh38, 1-based): chr17:8,003,138, C duplicated; the last of 5 consecutive C bases (chr17:8,003,134-8,003,138); duplicating any one gives the same sequence. VCF-style (leftmost placement, unchanged base first): chr17-8003133-T-TC. GRCh37 (hg19) VCF-style: chr17-7906451-T-TC.
Other names: NM_000180.4(GUCY2D):c.91dup; p.Arg31fs; c.87dupC (NM_000180.3); short protein forms R31fs.
Identifiers: ClinVar variation 98609 (VCV000098609.6), dbSNP rs61749663, ClinGen allele CA226154.

ClinVar aggregate classification (germline): Pathogenic. Review status: reviewed by expert panel (3 of 4 stars). 4 submissions from 4 submitters: Pathogenic (1). 3 of the submissions do not count toward it. Last evaluated 2025-01-31.

Conditions:
GUCY2D-related recessive retinopathy. Also called: Recessive GUCY2D retinopathy. Identifiers: MedGen CN305603, MONDO:0100453.
Cone-rod dystrophy 6 (CORD6). Also called: RETINAL CONE DYSTROPHY 2; Cone dystrophy progressive. Identifiers: Orphanet 1872, MedGen C1866293, MONDO:0011143, OMIM 601777.
Leber congenital amaurosis 1 (LCA1). Also called: AMAUROSIS CONGENITA OF LEBER I; RETINAL BLINDNESS, CONGENITAL; Congenital absence of the rods and cones; Leber's congenital tapetoretinal degeneration; Leber's congenital tapetoretinal dysplasia. Identifiers: Orphanet 65, MedGen C2931258, MONDO:0008764, OMIM 204000.

Submissions (4):

ClinGen Leber Congenital Amaurosis/early Onset Retinal Dystrophy Variant Curation Expert Panel, ClinGen
Classification: Pathogenic for GUCY2D-related recessive retinopathy. Last evaluated: 2025-01-31. Review status: reviewed by expert panel. Criteria: ClinGen LCAeoRD ACMG Specifications GUCY2D V1.0.0. Collection method: curation. Allele origin: germline. Inheritance: Autosomal recessive inheritance.
Comment: NM_000180.4(GUCY2D):c.91dup (p.Arg31ProfsTer?) is a frameshift variant that introduces a premature stop codon into exon 2 of 20, and is predicted to lead to nonsense-mediated decay in a gene in which loss-of-function is an established mechanism of disease (PVS1). This variant is present in gnomAD v.4.1.0 at a total allele frequency of 0.000009890, with 15 alleles / 1516748 total alleles, which is lower than the ClinGen LCA/eoRD VCEP PM2_Supporting threshold of <0.0004 (PM2_Supporting). At least one proband harboring this variant exhibits a phenotype including diagnosis of Leber congenital amaurosis (0.5 pts), nystagmus (1 pt), visual acuity limited to light perception (1 pt) since birth (1 pt), flat electroretinogram responses from both rods (0.5 pts) and cones (1 pt), high hypermetropia, being drawn to bright light, sluggish pupillary responses (0.5 pts), eye poking, and normal appearing fundus, which together are specific for GUCY2D-related recessive retinopathy (total 5.5 points, PMID: 29178642, PP4). In summary, this variant meets the criteria to be classified as pathogenic for GUCY2D-related recessive retinopathy based on the ACMG/AMP criteria applied, as specified by the ClinGen LCA / eoRD VCEP: PVS1, PM2_Supporting, and PP4. (VCEP specifications version 1.0.0; date of approval 01/22/2025).

Labcorp Genetics (formerly Invitae), Labcorp
Classification: Pathogenic for Leber congenital amaurosis 1; Cone-rod dystrophy 6. Last evaluated: 2023-04-09. Review status: criteria provided, single submitter. Criteria: Invitae Variant Classification Sherloc (09022015). Collection method: clinical testing. Allele origin: germline. Not counted in ClinVar's aggregate classification.
Comment: For these reasons, this variant has been classified as Pathogenic. ClinVar contains an entry for this variant (Variation ID: 98609). This premature translational stop signal has been observed in individuals with autosomal recessive leber congenital amaurosis (PMID: 15024725, 29178642). This variant is present in population databases (rs61749663, gnomAD 0.005%). This sequence change creates a premature translational stop signal (p.Arg31Profs*288) in the GUCY2D gene. It is expected to result in an absent or disrupted protein product. Loss-of-function variants in GUCY2D are known to be pathogenic (PMID: 10951519, 11328726).

Laboratory of Genetics in Ophthalmology, Institut Imagine
Classification: Pathogenic for Leber congenital amaurosis 1. Review status: no assertion criteria provided. Collection method: research. Allele origin: inherited. Affected: yes. Observed: 1 variant allele. Not counted in ClinVar's aggregate classification.

Retina International
No classification provided. Review status: no classification provided. Collection method: not provided. Allele origin: not provided. Not counted in ClinVar's aggregate classification.

Literature cited by the submitters: PubMed 15024725 (cited by Labcorp Genetics (formerly Invitae), Labcorp and Laboratory of Genetics in Ophthalmology, Institut Imagine); PubMed 29178642 (cited by Labcorp Genetics (formerly Invitae), Labcorp); PubMed 10951519 (cited by Labcorp Genetics (formerly Invitae), Labcorp); PubMed 11328726 (cited by Labcorp Genetics (formerly Invitae), Labcorp).